The following is an entry in ClinVar:

ClinVar aggregate classification (germline): Uncertain significance (1 of 4 stars; one submission).

Conditions:
Hereditary cancer-predisposing syndrome. Also called: Neoplastic Syndromes, Hereditary; Tumor predisposition; Hereditary Cancer Syndrome; Hereditary neoplastic syndrome. Identifiers: Orphanet 140162, MedGen C0027672, MeSH D009386, MONDO:0015356.

Submission:

Ambry Genetics
Classification: Uncertain significance for Hereditary cancer-predisposing syndrome. Last evaluated: 2026-04-29. Review status: criteria provided, single submitter. Criteria: Ambry Variant Classification Scheme 2023. Collection method: clinical testing. Allele origin: germline.
Comment: The p.R232L variant (also known as c.695G>T), located in coding exon 3 of the MEN1 gene, results from a G to T substitution at nucleotide position 695. The arginine at codon 232 is replaced by leucine, an amino acid with dissimilar properties. This amino acid position is conserved. In addition, this alteration is predicted to be deleterious by in silico analysis. Based on the available evidence, the clinical significance of this variant remains unclear.

NM_001370259.2(MEN1):c.695G>T (p.Arg232Leu)

Gene: MEN1 (menin 1; minus strand). Cytogenetic location: 11q13.1.
Variant type: single nucleotide variant.
Coding change: c.695G>T on transcript NM_001370259.2 (MANE Select); coding-DNA position 695, G replaced by T.
Protein change: p.Arg232Leu; replaces arginine 232 with leucine.
Molecular consequence: missense variant. On other transcripts: non-coding transcript variant (4).
Genome position (GRCh38, 1-based): chr11:64,807,640, C>A on the plus strand (G>T on the coding strand, the complement: MEN1 is on the minus strand). VCF-style: chr11-64807640-C-A. GRCh37 (hg19) VCF-style: chr11-64575112-C-A.
Other names: c.695G>T, p.Arg232Leu (NM_001407144.1, NM_001407146.1, NM_001407147.1 and 7 more transcripts); c.710G>T, p.Arg237Leu (NM_001407145.1, NM_001407150.1, NM_000244.4 and 5 more transcripts); c.590G>T, p.Arg197Leu (NM_001407148.1, NM_001407149.1, NM_001407151.1 and 2 more transcripts); short protein forms R232L, R197L, R237L.
Identifiers: ClinVar variation 2564959 (VCV002564959.3), dbSNP rs1941826992, ClinGen allele CA381184623.